The following is an entry in ClinVar:

NM_001127511.3(APC):c.154A>G (p.Ser52Gly)

Gene: APC (APC regulator of Wnt signaling pathway; plus strand). Cytogenetic location: 5q22.2.
Variant type: single nucleotide variant.
Coding change: c.154A>G on transcript NM_001127511.3; coding-DNA position 154, A replaced by G.
Protein change: p.Ser52Gly; replaces serine 52 with glycine.
Molecular consequence: missense variant. On other transcripts: non-coding transcript variant (1), intron variant (5), 5 prime UTR variant (8).
Genome position (GRCh38, 1-based): chr5:112,707,871, A>G. VCF-style: chr5-112707871-A-G. GRCh37 (hg19) VCF-style: chr5-112043568-A-G.
Other names: c.-19+222A>G (NM_001407448.1, NM_001407450.1, NM_001407457.1 and 1 more transcripts); c.-43+222A>G (NM_001407453.1); c.-30A>G (NM_001354895.2, NM_001407447.1, NM_001407452.1 and 3 more transcripts); c.154A>G, p.Ser52Gly (NM_001354897.2, NM_001354902.2, NM_001407446.1); c.-1065A>G (NM_001407470.1, NM_001407472.1); short protein forms S52G.
Identifiers: ClinVar variation 537603 (VCV000537603.9), dbSNP rs1554060315, ClinGen allele CA360612183.
Genomic context (GRCh38, chr5:112,707,871, plus strand): 5'-AGCTGCGTCCGGCAGGAGACGAAGAGCCCGGGCGGCGCTCGTACTTCTGGCCACTGGGCG[A>G]GCGTCTGGCAGGTGAGTGAGGCTGCAGGCATTGACGTCTCCTCCCGGCAAAGCTTCCTCG-3'

ClinVar aggregate classification (germline): Uncertain significance (1 of 4 stars; one submission).

Conditions:
Familial adenomatous polyposis 1 (FAP1). Also called: FAMILIAL ADENOMATOUS POLYPOSIS 1, ATTENUATED; POLYPOSIS, ADENOMATOUS INTESTINAL. Identifiers: MedGen C2713442, MONDO:0021056, OMIM 175100. Disease mechanism: loss of function.

Allele frequency attached by ClinVar (database versions not stated): gnomAD exomes below 0.00001.

Submission:

Labcorp Genetics (formerly Invitae), Labcorp
Classification: Uncertain significance for Familial adenomatous polyposis 1. Last evaluated: 2025-09-03. Review status: criteria provided, single submitter. Criteria: Invitae Variant Classification Sherloc (09022015). Collection method: clinical testing. Allele origin: germline.
Comment: This variant occurs in a non-coding region of the APC gene. It does not change the encoded amino acid sequence of the APC protein. This variant is not present in population databases (gnomAD no frequency). This variant has not been reported in the literature in individuals affected with APC-related conditions. ClinVar contains an entry for this variant (Variation ID: 537603). Experimental studies and prediction algorithms are not available or were not evaluated, and the functional significance of this variant is currently unknown. In summary, the available evidence is currently insufficient to determine the role of this variant in disease. Therefore, it has been classified as a Variant of Uncertain Significance.